The following is an entry in ClinVar:

NM_001130009.3(GEN1):c.1781C>T (p.Ser594Phe)

Gene: GEN1 (GEN1 Holliday junction 5' flap endonuclease; plus strand). Cytogenetic location: 2p24.2.
Variant type: single nucleotide variant.
Coding change: c.1781C>T on transcript NM_001130009.3 (MANE Select); coding-DNA position 1781, C replaced by T.
Protein change: p.Ser594Phe; replaces serine 594 with phenylalanine.
Molecular consequence: missense variant.
Genome position (GRCh38, 1-based): chr2:17,780,993, C>T. VCF-style: chr2-17780993-C-T. GRCh37 (hg19) VCF-style: chr2-17962260-C-T.
Other names: c.1781C>T, p.Ser594Phe (NM_182625.5); short protein forms S594F.
Identifiers: ClinVar variation 3519719 (VCV003519719.1).

ClinVar aggregate classification (germline): Uncertain significance (1 of 4 stars; one submission).

Submission:

Ambry Genetics
Classification: Uncertain significance. Last evaluated: 2024-11-21. Review status: criteria provided, single submitter. Criteria: Ambry Variant Classification Scheme 2023. Collection method: clinical testing. Allele origin: germline.
Comment: The p.S594F variant (also known as c.1781C>T), located in coding exon 13 of the GEN1 gene, results from a C to T substitution at nucleotide position 1781. The serine at codon 594 is replaced by phenylalanine, an amino acid with highly dissimilar properties. This amino acid position is conserved. In addition, this alteration is predicted to be tolerated by in silico analysis. Based on the available evidence, the clinical significance of this variant remains unclear.